The following is an entry in ClinVar:

NM_173630.4(RTTN):c.6409A>T (p.Ile2137Phe)

Gene: RTTN (rotatin; minus strand). Cytogenetic location: 18q22.2.
Variant type: single nucleotide variant.
Coding change: c.6409A>T on transcript NM_173630.4 (MANE Select); coding-DNA position 6409, A replaced by T.
Protein change: p.Ile2137Phe; replaces isoleucine 2137 with phenylalanine.
Molecular consequence: missense variant.
Genome position (GRCh38, 1-based): chr18:70,017,419, T>A on the plus strand (A>T on the coding strand, the complement: RTTN is on the minus strand). VCF-style: chr18-70017419-T-A. GRCh37 (hg19) VCF-style: chr18-67684655-T-A.
Other names: c.3673A>T, p.Ile1225Phe (NM_001318520.2); short protein forms I2137F, I1225F.
Identifiers: ClinVar variation 197556 (VCV000197556.7), dbSNP rs794727682, ClinGen allele CA245790.

ClinVar aggregate classification (germline): Uncertain significance. Review status: criteria provided, multiple submitters, no conflicts (2 of 4 stars). 2 submissions from 2 submitters: Uncertain significance (2). Last evaluated 2022-04-12.

Allele frequency attached by ClinVar (database versions not stated): TOPMed below 0.00001.

Submissions (2):

GeneDx
Classification: Uncertain significance. Last evaluated: 2022-04-12. Review status: criteria provided, single submitter. Criteria: GeneDx Variant Classification Process June 2021. Collection method: clinical testing. Allele origin: germline. Affected: yes.
Comment: Not observed at significant frequency in large population cohorts (gnomAD); In silico analysis supports that this missense variant does not alter protein structure/function; Has not been previously published as pathogenic or benign to our knowledge

Eurofins Ntd Llc (ga)
Classification: Uncertain significance. Last evaluated: 2015-02-25. Review status: criteria provided, single submitter. Criteria: EGL Classification Definitions 2015. Collection method: clinical testing. Allele origin: germline. Observed: 2 variant alleles, 2 heterozygotes.